The following is an entry in ClinVar:

ClinVar aggregate classification (germline): Uncertain significance (1 of 4 stars; one submission).

Allele frequency attached by ClinVar (database versions not stated): TOPMed below 0.00001; gnomAD exomes 0.00001.
gnomAD v4.1: 7 of 1,613,660 alleles (0.00043%); highest among the groups gnomAD compares: Non-Finnish European, 0.00059%; no homozygotes.

Submission:

Labcorp Genetics (formerly Invitae), Labcorp
Classification: Uncertain significance. Last evaluated: 2025-05-19. Review status: criteria provided, single submitter. Criteria: Invitae Variant Classification Sherloc (09022015). Collection method: clinical testing. Allele origin: germline.
Comment: This sequence change replaces arginine, which is basic and polar, with histidine, which is basic and polar, at codon 50 of the DUOX2 protein (p.Arg50His). This variant is not present in population databases (gnomAD no frequency). This variant has not been reported in the literature in individuals affected with DUOX2-related conditions. ClinVar contains an entry for this variant (Variation ID: 1720687). Invitae Evidence Modeling of protein sequence and biophysical properties (such as structural, functional, and spatial information, amino acid conservation, physicochemical variation, residue mobility, and thermodynamic stability) indicates that this missense variant is not expected to disrupt DUOX2 protein function with a negative predictive value of 80%. In summary, the available evidence is currently insufficient to determine the role of this variant in disease. Therefore, it has been classified as a Variant of Uncertain Significance.

NM_001363711.2(DUOX2):c.149G>A (p.Arg50His)

Gene: DUOX2 (dual oxidase 2; minus strand). Cytogenetic location: 15q21.1.
Variant type: single nucleotide variant.
Coding change: c.149G>A on transcript NM_001363711.2 (MANE Select); coding-DNA position 149, G replaced by A.
Protein change: p.Arg50His; replaces arginine 50 with histidine.
Molecular consequence: missense variant.
Genome position (GRCh38, 1-based): chr15:45,112,998, C>T on the plus strand (G>A on the coding strand, the complement: DUOX2 is on the minus strand). VCF-style: chr15-45112998-C-T. GRCh37 (hg19) VCF-style: chr15-45405196-C-T.
Other names: c.149G>A, p.Arg50His (NM_014080.5); short protein forms R50H.
Identifiers: ClinVar variation 1720687 (VCV001720687.4), dbSNP rs1894489769, ClinGen allele CA392280058.